The following is an entry in ClinVar:

NM_001159699.2(FHL1):c.736+8A>G

Gene: FHL1 (four and a half LIM domains 1; plus strand). Cytogenetic location: Xq26.3.
Variant type: single nucleotide variant.
Coding change: c.736+8A>G on transcript NM_001159699.2 (MANE Select); 8 bases into the intron after coding-DNA position 736, A replaced by G.
Molecular consequence: intron variant.
Genome position (GRCh38, 1-based): chrX:136,208,649, A>G. VCF-style: chrX-136208649-A-G. GRCh37 (hg19) VCF-style: chrX-135290808-A-G.
Other names: c.688+8A>G (NM_001159702.3, NM_001449.5, NM_001369326.1 and 9 more transcripts); c.501+688A>G (NM_001159703.2); c.775+8A>G (NM_001159701.2); c.549+688A>G (NM_001330659.2).
Identifiers: ClinVar variation 512263 (VCV000512263.13), dbSNP rs376754350, ClinGen allele CA10525054.

ClinVar aggregate classification (germline): Likely benign. Review status: criteria provided, multiple submitters, no conflicts (2 of 4 stars). 4 submissions from 4 submitters: Likely benign (3). 1 of the submissions does not count toward it. Last evaluated 2025-10-19.

Conditions:
FHL1-related disorder. Also called: FHL1-related condition; FHL1-related disorders.
X-linked myopathy with postural muscle atrophy. Also called: FHL1-Related Emery-Dreifuss Muscular Dystrophy, X-Linked. Identifiers: Orphanet 178461, MedGen C2678055, MONDO:0010401, OMIM 300696.

Allele frequency attached by ClinVar (database versions not stated): gnomAD exomes below 0.00001 and 0.00001; ExAC 0.00002; gnomAD 0.00006 and 0.00007; TOPMed 0.00008; ESP Exome Variant Server 0.00009.
gnomAD v4.1: 13 of 1,202,822 alleles (0.0011%); highest among the groups gnomAD compares: African/African-American, 0.018%; no homozygotes.

Submissions (4):

Labcorp Genetics (formerly Invitae), Labcorp
Classification: Likely benign for X-linked myopathy with postural muscle atrophy. Last evaluated: 2025-10-19. Review status: criteria provided, single submitter. Criteria: Invitae Variant Classification Sherloc (09022015). Collection method: clinical testing. Allele origin: germline.

Blueprint Genetics
Classification: Likely benign. Last evaluated: 2023-12-05. Review status: criteria provided, single submitter. Criteria: ACMG Guidelines, 2015. Collection method: clinical testing. Allele origin: germline.

GeneDx
Classification: Likely benign. Last evaluated: 2017-09-25. Review status: criteria provided, single submitter. Criteria: GeneDx Variant Classification (06012015). Collection method: clinical testing. Allele origin: germline. Affected: yes.
Comment: This variant is considered likely benign or benign based on one or more of the following criteria: it is a conservative change, it occurs at a poorly conserved position in the protein, it is predicted to be benign by multiple in silico algorithms, and/or has population frequency not consistent with disease.

PreventionGenetics, part of Exact Sciences
Classification: Likely benign for FHL1-related condition. Last evaluated: 2023-06-26. Review status: no assertion criteria provided. Collection method: clinical testing. Allele origin: germline. Not counted in ClinVar's aggregate classification.
Comment: This variant is classified as likely benign based on ACMG/AMP sequence variant interpretation guidelines (Richards et al. 2015 PMID: 25741868, with internal and published modifications).